The following is an entry in ClinVar:

NM_004606.5(TAF1):c.5393A>T (p.Asn1798Ile)

Gene: TAF1 (TATA-box binding protein associated factor 1; plus strand). Cytogenetic location: Xq13.1.
Variant type: single nucleotide variant.
Coding change: c.5393A>T on transcript NM_004606.5 (MANE Select); coding-DNA position 5393, A replaced by T.
Protein change: p.Asn1798Ile; replaces asparagine 1798 with isoleucine.
Molecular consequence: missense variant. On other transcripts: non-coding transcript variant (9).
Genome position (GRCh38, 1-based): chrX:71,460,797, A>T. VCF-style: chrX-71460797-A-T. GRCh37 (hg19) VCF-style: chrX-70680647-A-T.
Other names: c.5399A>T, p.Asn1800Ile (NM_001286074.2); c.5330A>T, p.Asn1777Ile (NM_138923.4); short protein forms N1777I, N1798I, N1800I.
Identifiers: ClinVar variation 2500522 (VCV002500522.1), dbSNP rs2522451436, ClinGen allele CA413530190.

ClinVar aggregate classification (germline): Uncertain significance (1 of 4 stars; one submission).

Allele frequency attached by ClinVar (database versions not stated): gnomAD exomes 0.00001.
gnomAD v4.1: 4 of 1,185,337 alleles (0.00034%); highest among the groups gnomAD compares: Non-Finnish European, 0.00045%; no homozygotes.

Submission:

GeneDx
Classification: Uncertain significance. Last evaluated: 2022-11-01. Review status: criteria provided, single submitter. Criteria: GeneDx Variant Classification Process June 2021. Collection method: clinical testing. Allele origin: germline. Affected: yes.
Comment: Not observed at significant frequency in large population cohorts (gnomAD); In silico analysis supports that this missense variant does not alter protein structure/function; Has not been previously published as pathogenic or benign to our knowledge